The following is an entry in ClinVar:

NM_022089.4(ATP13A2):c.1957G>A (p.Val653Ile)

Gene: ATP13A2 (ATPase cation transporting 13A2; minus strand). Cytogenetic location: 1p36.13.
Variant type: single nucleotide variant.
Coding change: c.1957G>A on transcript NM_022089.4 (MANE Select); coding-DNA position 1957, G replaced by A.
Protein change: p.Val653Ile; replaces valine 653 with isoleucine.
Molecular consequence: missense variant.
Genome position (GRCh38, 1-based): chr1:16,992,291, C>T on the plus strand (G>A on the coding strand, the complement: ATP13A2 is on the minus strand). VCF-style: chr1-16992291-C-T. GRCh37 (hg19) VCF-style: chr1-17318786-C-T.
Other names: c.1942G>A, p.Val648Ile (NM_001141973.3, NM_001141974.3); c.1957G>A (NM_022089.2); short protein forms V653I, V648I.
Identifiers: ClinVar variation 1046235 (VCV001046235.6), dbSNP rs761490954, ClinGen allele CA637026.

ClinVar aggregate classification (germline): Uncertain significance. Review status: criteria provided, multiple submitters, no conflicts (2 of 4 stars). 2 submissions from 2 submitters: Uncertain significance (2). Last evaluated 2025-01-17.

Conditions:
Autosomal recessive spastic paraplegia type 78. Identifiers: Orphanet 513436, MedGen C5567893, MONDO:0014975, OMIM 617225.
Kufor-Rakeb syndrome (KRS). Also called: PARKINSON DISEASE 9, AUTOSOMAL RECESSIVE, JUVENILE-ONSET. Identifiers: Orphanet 306674, Orphanet 314632, MedGen C1847640, MONDO:0011706, OMIM 606693.
Inborn genetic diseases. Identifiers: MedGen C0950123, MeSH D030342.

Allele frequency attached by ClinVar (database versions not stated): TOPMed below 0.00001; ExAC 0.00001; gnomAD 0.00001; gnomAD exomes 0.00001.
gnomAD v4.1: 23 of 1,612,474 alleles (0.0014%); highest among the groups gnomAD compares: Non-Finnish European, 0.0015%; no homozygotes.

Submissions (2):

Ambry Genetics
Classification: Uncertain significance for Inborn genetic diseases. Last evaluated: 2025-01-17. Review status: criteria provided, single submitter. Criteria: Ambry Variant Classification Scheme 2023. Collection method: clinical testing. Allele origin: germline.

Labcorp Genetics (formerly Invitae), Labcorp
Classification: Uncertain significance for Kufor-Rakeb syndrome; Autosomal recessive spastic paraplegia type 78. Last evaluated: 2022-06-20. Review status: criteria provided, single submitter. Criteria: Invitae Variant Classification Sherloc (09022015). Collection method: clinical testing. Allele origin: germline.
Comment: In summary, the available evidence is currently insufficient to determine the role of this variant in disease. Therefore, it has been classified as a Variant of Uncertain Significance. Advanced modeling of protein sequence and biophysical properties (such as structural, functional, and spatial information, amino acid conservation, physicochemical variation, residue mobility, and thermodynamic stability) performed at Invitae indicates that this missense variant is not expected to disrupt ATP13A2 protein function. ClinVar contains an entry for this variant (Variation ID: 1046235). This variant has not been reported in the literature in individuals affected with ATP13A2-related conditions. The frequency data for this variant in the population databases is considered unreliable, as metrics indicate poor data quality at this position in the gnomAD database. This sequence change replaces valine, which is neutral and non-polar, with isoleucine, which is neutral and non-polar, at codon 653 of the ATP13A2 protein (p.Val653Ile).